The following is an entry in ClinVar:

ClinVar aggregate classification (germline): Uncertain significance. Review status: criteria provided, single submitter (1 of 4 stars). 2 submissions from 2 submitters: Uncertain significance (1). 1 of the submissions does not count toward it. Last evaluated 2025-07-30.

Conditions:
Deficiency of butyrylcholinesterase (BCHED). Also called: Deficiency of butyrylcholine esterase; Acholinesterasemia; BCHE, silent 1; Butyrylcholinesterase deficiency. Identifiers: Orphanet 132, MedGen C1283400, MONDO:0015270, OMIM 617936.

Allele frequency attached by ClinVar (database versions not stated): gnomAD exomes below 0.00001.
gnomAD v4.1: 1 of 1,613,936 alleles (0.000062%); highest among the groups gnomAD compares: Non-Finnish European, 0.000085%; no homozygotes.

Submissions (2):

Women's Health and Genetics/Laboratory Corporation of America, LabCorp
Classification: Uncertain significance. Last evaluated: 2025-07-30. Review status: criteria provided, single submitter. Criteria: LabCorp Variant Classification Summary - May 2015. Collection method: clinical testing. Allele origin: germline.
Comment: Variant summary: BCHE c.185C>T (p.Ala62Val) results in a non-conservative amino acid change in the encoded protein sequence. Algorithms developed to predict the effect of missense changes on protein structure and function all suggest that this variant is likely to be disruptive. The variant was absent in 251168 control chromosomes. The available data on variant occurrences in the general population are insufficient to allow any conclusion about variant significance. c.185C>T has been observed in an individual affected with Deficiency Of Butyrylcholine Esterase (Delacour_2014). These data do not allow any conclusion about variant significance. To our knowledge, no experimental evidence demonstrating an impact on protein function has been reported. The following publication have been ascertained in the context of this evaluation (PMID: 25264279). ClinVar contains an entry for this variant (Variation ID: 550396). Based on the evidence outlined above, the variant was classified as uncertain significance.

Counsyl
Classification: Uncertain significance for Deficiency of butyrylcholinesterase. Last evaluated: 2017-01-19. Review status: no assertion criteria provided. Collection method: clinical testing. Allele origin: unknown. Not counted in ClinVar's aggregate classification.

Literature cited by the submitters: PubMed 25264279 (cited by Women's Health and Genetics/Laboratory Corporation of America, LabCorp and Counsyl).

NM_000055.4(BCHE):c.185C>T (p.Ala62Val)

Gene: BCHE (butyrylcholinesterase; minus strand). Cytogenetic location: 3q26.1.
Variant type: single nucleotide variant.
Coding change: c.185C>T on transcript NM_000055.4 (MANE Select); coding-DNA position 185, C replaced by T.
Protein change: p.Ala62Val; replaces alanine 62 with valine.
Molecular consequence: missense variant. On other transcripts: non-coding transcript variant (1).
Genome position (GRCh38, 1-based): chr3:165,830,849, G>A on the plus strand (C>T on the coding strand, the complement: BCHE is on the minus strand). VCF-style: chr3-165830849-G-A. GRCh37 (hg19) VCF-style: chr3-165548637-G-A.
Other names: short protein forms A62V.
Identifiers: ClinVar variation 550396 (VCV000550396.3), dbSNP rs1553778274, ClinGen allele CA355113357.